The following is an entry in ClinVar:

NM_006891.4(CRYGD):c.252+7A>G

Genes: CRYGD (crystallin gamma D; minus strand), LOC100507443 (uncharacterized LOC100507443; plus strand). Cytogenetic location: 2q33.3.
Variant type: single nucleotide variant.
Coding change: c.252+7A>G on transcript NM_006891.4 (MANE Select); 7 bases into the intron after coding-DNA position 252, A replaced by G.
Molecular consequence: intron variant.
Genome position (GRCh38, 1-based): chr2:208,124,105, T>C on the plus strand (A>G on the coding strand, the complement: CRYGD is on the minus strand). VCF-style: chr2-208124105-T-C. GRCh37 (hg19) VCF-style: chr2-208988829-T-C.
Identifiers: ClinVar variation 333873 (VCV000333873.8), dbSNP rs185860020, ClinGen allele CA2077692.

ClinVar aggregate classification (germline): Benign. Review status: criteria provided, multiple submitters, no conflicts (2 of 4 stars). 2 submissions from 2 submitters: Benign (2). Last evaluated 2018-08-17.

Conditions:
Cataract 4 multiple types. Also called: CATARACT 4, MULTIPLE TYPES, WITH OR WITHOUT MICROCORNEA; CATARACT 4 WITH MICROCORNEA; CATARACT 4, PUNCTATE; CATARACT 4, CRYSTALLINE; CATARACT 4, CENTRAL NUCLEAR; CATARACT 4, NONNUCLEAR POLYMORPHIC CONGENITAL. Identifiers: Orphanet 1377, MedGen C3540850, MONDO:0007281, OMIM 115700.

Allele frequency attached by ClinVar (database versions not stated): gnomAD 0.00261 and 0.00244; 1000 Genomes Project 30x 0.00094; TOPMed 0.00032; 1000 Genomes Project 0.00120; ExAC 0.00263; ESP Exome Variant Server 0.00023; gnomAD exomes 0.00324.
gnomAD v4.1: 2,474 of 1,611,668 alleles (0.15%); highest among the groups gnomAD compares: Middle Eastern, 0.044%; 36 homozygotes.

Submissions (2):

Labcorp Genetics (formerly Invitae), Labcorp
Classification: Benign. Last evaluated: 2018-08-17. Review status: criteria provided, single submitter. Criteria: Invitae Variant Classification Sherloc (09022015). Collection method: clinical testing. Allele origin: germline.

Illumina Laboratory Services, Illumina
Classification: Benign for Cataract 4 multiple types. Last evaluated: 2018-01-12. Review status: criteria provided, single submitter. Criteria: ICSL Variant Classification Criteria 13 December 2019. Collection method: clinical testing. Allele origin: germline.
Comment: This variant was observed in the ICSL laboratory as part of a predisposition screen in an ostensibly healthy population. It had not been previously curated by ICSL or reported in the Human Gene Mutation Database (HGMD: prior to June 1st, 2018), and was therefore a candidate for classification through an automated scoring system. Utilizing variant allele frequency, disease prevalence and penetrance estimates, and inheritance mode, an automated score was calculated to assess if this variant is too frequent to cause the disease. Based on the score and internal cut-off values, a variant classified as benign is not then subjected to further curation. The score for this variant resulted in a classification of benign for this disease.